The following is an entry in ClinVar:

NM_004656.4(BAP1):c.931+3dup

Gene: BAP1 (BRCA1 associated deubiquitinase 1; minus strand). Cytogenetic location: 3p21.1.
Variant type: Duplication.
Coding change: c.931+3dup on transcript NM_004656.4 (MANE Select); 3 bases into the intron after coding-DNA position 931, one base duplicated (A; older notation c.931+3dupA).
Molecular consequence: intron variant.
Genome position (GRCh38, 1-based): chr3:52,405,762, T duplicated on the plus strand (A on the coding strand, the reverse complement: BAP1 is on the minus strand). VCF-style (leftmost placement, unchanged base first): chr3-52405761-G-GT. GRCh37 (hg19) VCF-style: chr3-52439777-G-GT.
Other names: c.877+3dup (NM_001410772.1).
Identifiers: ClinVar variation 3602243 (VCV003602243.1).

ClinVar aggregate classification (germline): Uncertain significance (1 of 4 stars; one submission).

Submission:

GeneDx
Classification: Uncertain significance. Last evaluated: 2024-07-31. Review status: criteria provided, single submitter. Criteria: GeneDx Variant Classification Process June 2021. Collection method: clinical testing. Allele origin: germline. Affected: yes.
Comment: Not observed at significant frequency in large population cohorts (gnomAD); In silico analysis indicates that this variant does not alter splicing; Has not been previously published as pathogenic or benign to our knowledge